The following is an entry in ClinVar:

NM_139343.3(BIN1):c.1227G>A (p.Thr409=)

Gene: BIN1 (bridging integrator 1; minus strand). Cytogenetic location: 2q14.3.
Variant type: single nucleotide variant.
Coding change: c.1227G>A on transcript NM_139343.3 (MANE Select); coding-DNA position 1227, G replaced by A.
Protein change: p.Thr409=; no amino-acid change (threonine 409 retained).
Molecular consequence: synonymous variant. On other transcripts: intron variant (12).
Genome position (GRCh38, 1-based): chr2:127,053,917, C>T on the plus strand (G>A on the coding strand, the complement: BIN1 is on the minus strand). VCF-style: chr2-127053917-C-T. GRCh37 (hg19) VCF-style: chr2-127811493-C-T.
Other names: c.1134G>A, p.Thr378= (NM_001320641.2); c.1146G>A, p.Thr382= (NM_001320642.1); c.1098G>A, p.Thr366= (NM_139344.3); c.838-3005G>A (NM_001320634.1); c.910-3005G>A (NM_139351.3); c.910-2674G>A (NM_139350.3); c.910-1555G>A (NM_139349.3); c.1039-2674G>A (NM_139348.3); and 7 more.
Identifiers: ClinVar variation 1982088 (VCV001982088.28), dbSNP rs751173050, ClinGen allele CA1857160.

ClinVar aggregate classification (germline): Likely benign. Review status: criteria provided, multiple submitters, no conflicts (2 of 4 stars). 2 submissions from 2 submitters: Likely benign (2). Last evaluated 2025-03-24.

Conditions:
Myopathy, centronuclear, 2 (CNM2). Also called: MYOTUBULAR MYOPATHY, AUTOSOMAL RECESSIVE. Identifiers: Orphanet 169186, MedGen CN031787, MONDO:0009709, OMIM 255200.

Allele frequency attached by ClinVar (database versions not stated): ExAC 0.00010.
gnomAD v4.1: 17 of 1,551,222 alleles (0.0011%); highest among the groups gnomAD compares: South Asian, 0.0059%; no homozygotes.

Submissions (2):

Labcorp Genetics (formerly Invitae), Labcorp
Classification: Likely benign for Myopathy, centronuclear, 2. Last evaluated: 2025-03-24. Review status: criteria provided, single submitter. Criteria: Invitae Variant Classification Sherloc (09022015). Collection method: clinical testing. Allele origin: germline.

CeGaT Center for Human Genetics Tuebingen
Classification: Likely benign. Last evaluated: 2023-06-01. Review status: criteria provided, single submitter. Criteria: CeGaT Center For Human Genetics Tuebingen Variant Classification Criteria Version 2. Collection method: clinical testing. Allele origin: germline. Affected: yes. Observed: 1 variant allele.
Comment: BIN1: BP4, BP7